The following is an entry in ClinVar:

ClinVar aggregate classification (germline): Uncertain significance. Review status: criteria provided, multiple submitters, no conflicts (2 of 4 stars). 2 submissions from 2 submitters: Uncertain significance (2). Last evaluated 2023-12-14.

gnomAD v4.1: 4 of 1,613,274 alleles (0.00025%); highest among the groups gnomAD compares: Non-Finnish European, 0.00034%; no homozygotes.

Submissions (2):

Labcorp Genetics (formerly Invitae), Labcorp
Classification: Uncertain significance. Last evaluated: 2023-12-14. Review status: criteria provided, single submitter. Criteria: Invitae Variant Classification Sherloc (09022015). Collection method: clinical testing. Allele origin: germline.
Comment: This sequence change replaces asparagine, which is neutral and polar, with serine, which is neutral and polar, at codon 418 of the NIN protein (p.Asn418Ser). This variant is not present in population databases (gnomAD no frequency). This variant has not been reported in the literature in individuals affected with NIN-related conditions. ClinVar contains an entry for this variant (Variation ID: 2328039). An algorithm developed to predict the effect of missense changes on protein structure and function (PolyPhen-2) suggests that this variant is likely to be disruptive. In summary, the available evidence is currently insufficient to determine the role of this variant in disease. Therefore, it has been classified as a Variant of Uncertain Significance.

Ambry Genetics
Classification: Uncertain significance. Last evaluated: 2022-11-18. Review status: criteria provided, single submitter. Criteria: Ambry Variant Classification Scheme 2023. Collection method: clinical testing. Allele origin: germline.

NM_020921.4(NIN):c.1253A>G (p.Asn418Ser)

Gene: NIN (ninein; minus strand). Cytogenetic location: 14q22.1.
Variant type: single nucleotide variant.
Coding change: c.1253A>G on transcript NM_020921.4 (MANE Select); coding-DNA position 1253, A replaced by G.
Protein change: p.Asn418Ser; replaces asparagine 418 with serine.
Molecular consequence: missense variant.
Genome position (GRCh38, 1-based): chr14:50,770,858, T>C on the plus strand (A>G on the coding strand, the complement: NIN is on the minus strand). VCF-style: chr14-50770858-T-C. GRCh37 (hg19) VCF-style: chr14-51237576-T-C.
Other names: c.1253A>G, p.Asn418Ser (NM_016350.5, NM_182944.3, NM_182946.2); short protein forms N418S.
Identifiers: ClinVar variation 2328039 (VCV002328039.5), dbSNP rs907695704, ClinGen allele CA260819775.
Genomic context (GRCh38, chr14:50,770,858, plus strand): 5'-ACTGCCCTGGGCCAGGGTGGTGGGTGAGGAGGAGCCTCACTCTGCTGGCCTCACCTGAGG[T>C]TGTACTCATTCCGCCGCTCTATGGCCGCATGGTGATCATCCACCTCCGAGGCCATTAAAG-3'
Protein context (NP_065972.4, residues 408-428): HAAIERRNEY[Asn418Ser]LRKLDEEYKE